The following is an entry in ClinVar:

ClinVar aggregate classification (germline): Uncertain significance (1 of 4 stars; one submission).

Conditions:
Familial thoracic aortic aneurysm and aortic dissection (TAAD). Also called: Thoracic aortic aneurysms and dissections. Identifiers: Orphanet 91387, MedGen C4707243, MONDO:0019625.

Submission:

Ambry Genetics
Classification: Uncertain significance for Familial thoracic aortic aneurysm and aortic dissection. Last evaluated: 2022-11-27. Review status: criteria provided, single submitter. Criteria: Ambry Variant Classification Scheme 2023. Collection method: clinical testing. Allele origin: germline.
Comment: The p.A412V variant (also known as c.1235C>T), located in coding exon 7 of the MYLK gene, results from a C to T substitution at nucleotide position 1235. The alanine at codon 412 is replaced by valine, an amino acid with similar properties. This amino acid position is conserved. In addition, this alteration is predicted to be tolerated by in silico analysis. Since supporting evidence is limited at this time, the clinical significance of this alteration remains unclear.

NM_053025.4(MYLK):c.1235C>T (p.Ala412Val)

Gene: MYLK (myosin light chain kinase; minus strand). Cytogenetic location: 3q21.1.
Variant type: single nucleotide variant.
Coding change: c.1235C>T on transcript NM_053025.4 (MANE Select); coding-DNA position 1235, C replaced by T.
Protein change: p.Ala412Val; replaces alanine 412 with valine.
Molecular consequence: missense variant.
Genome position (GRCh38, 1-based): chr3:123,733,761, G>A on the plus strand (C>T on the coding strand, the complement: MYLK is on the minus strand). VCF-style: chr3-123733761-G-A. GRCh37 (hg19) VCF-style: chr3-123452608-G-A.
Other names: c.707C>T, p.Ala236Val (NM_001321309.2); c.1235C>T, p.Ala412Val (NM_053026.4, NM_053027.4, NM_053028.4); short protein forms A236V, A412V.
Identifiers: ClinVar variation 2452952 (VCV002452952.2), dbSNP rs2474560819, ClinGen allele CA074132.